The following is an entry in ClinVar:

NM_000276.4(OCRL):c.2324G>A (p.Ser775Asn)

Gene: OCRL (OCRL inositol polyphosphate-5-phosphatase; plus strand). Cytogenetic location: Xq26.1.
Variant type: single nucleotide variant.
Coding change: c.2324G>A on transcript NM_000276.4 (MANE Select); coding-DNA position 2324, G replaced by A.
Protein change: p.Ser775Asn; replaces serine 775 with asparagine.
Molecular consequence: missense variant.
Genome position (GRCh38, 1-based): chrX:129,588,246, G>A. VCF-style: chrX-129588246-G-A. GRCh37 (hg19) VCF-style: chrX-128722223-G-A.
Other names: c.2327G>A, p.Ser776Asn (NM_001318784.2); c.2300G>A, p.Ser767Asn (NM_001587.4); short protein forms S767N, S775N, S776N.
Identifiers: ClinVar variation 3036714 (VCV003036714.2), dbSNP rs1569463649, ClinGen allele CA414630616.
Genomic context (GRCh38, chrX:129,588,246, plus strand): 5'-TGTTCCAGACCCCTGGAATGCAGGAAGAGCTCCAGCAGATCATTGATTGTCTGGATACCA[G>A]CATTCCTGAGACAATCCGTATCCTTTGCGACCAAAGCTTAAGAAGCTGGATGAGTACTTG-3'
Protein context (NP_000267.2, residues 765-785): LQQIIDCLDT[Ser775Asn]IPETIPGSNH

ClinVar aggregate classification (germline): Uncertain significance (0 of 4 stars; one submission).

Conditions:
OCRL-related disorder. Also called: OCRL-related condition.

Allele frequency attached by ClinVar (database versions not stated): gnomAD exomes below 0.00001.
gnomAD v4.1: 1 of 1,201,114 alleles (0.000083%); highest among the groups gnomAD compares: Admixed American, 0.0022%; no homozygotes.

Submission:

PreventionGenetics, part of Exact Sciences
Classification: Uncertain significance for OCRL-related condition. Last evaluated: 2024-01-19. Review status: no assertion criteria provided. Collection method: clinical testing. Allele origin: germline.
Comment: The OCRL c.2324G>A variant is predicted to result in the amino acid substitution p.Ser775Asn. To our knowledge, this variant has not been reported in the literature. This variant is reported in 0.0036% of alleles in individuals of Latino descent in gnomAD. At this time, the clinical significance of this variant is uncertain due to the absence of conclusive functional and genetic evidence.